The following is an entry in ClinVar:

ClinVar aggregate classification (germline): Pathogenic (0 of 4 stars; one submission).

Conditions:
Intellectual disability, X-linked 102 (MRXSSB). Also called: Intellectual developmental disorder, X-linked syndromic, Snijders Blok type. Identifiers: Orphanet 457260, MedGen C5393299, MONDO:0010497, OMIM 300958.

Submission:

OMIM
Classification: Pathogenic for INTELLECTUAL DEVELOPMENTAL DISORDER, X-LINKED, SYNDROMIC, SNIJDERS BLOK TYPE. Last evaluated: 2020-05-07. Review status: no assertion criteria provided. Collection method: literature only. Allele origin: germline.

Literature cited by the submitters: PubMed 31274575.

NM_001356.5(DDX3X):c.828_831del (p.Arg276fs)

Gene: DDX3X (DEAD-box helicase 3 X-linked; plus strand). Cytogenetic location: Xp11.4.
Variant type: Microsatellite.
Coding change: c.828_831del on transcript NM_001356.5 (MANE Select); coding-DNA positions 828 to 831, 4 bases deleted (AGAG; older notation c.828_831delAGAG).
Protein change: p.Arg276fs; shifts the reading frame from arginine 276.
Molecular consequence: frameshift variant. On other transcripts: non-coding transcript variant (1).
Genome position (GRCh38, 1-based): chrX:41,344,092-41,344,095, AGAG deleted; deleting any 4 consecutive bases within chrX:41,344,089-41,344,095 gives the same sequence; the c. name uses the placement nearest the transcript's 3' end. VCF-style (leftmost placement, unchanged base first): chrX-41344088-CGAGA-C. GRCh37 (hg19) VCF-style: chrX-41203341-CGAGA-C.
Other names: c.828_831del, p.Arg276fs (NM_001193416.3); c.780_783del, p.Arg260fs (NM_001193417.3); c.270_273del, p.Arg90fs (NM_001363819.1); short protein forms R260fs, R276fs, R90fs.
Identifiers: ClinVar variation 989448 (VCV000989448.55), dbSNP rs1602131859, ClinGen allele CA2425880501.